The following is an entry in ClinVar:

ClinVar aggregate classification (germline): Uncertain significance. Review status: criteria provided, multiple submitters, no conflicts (2 of 4 stars). 2 submissions from 2 submitters: Uncertain significance (2). Last evaluated 2026-06-22.

Conditions:
KMT2D-related disorder. Also called: KMT2D-Related Disorders.

Allele frequency attached by ClinVar (database versions not stated): gnomAD 0.00001; TOPMed 0.00001.
gnomAD v4.1: 1 of 1,613,852 alleles (0.000062%); highest among the groups gnomAD compares: African/African-American, 0.0013%; no homozygotes.

Submissions (2):

PreventionGenetics, part of Exact Sciences
Classification: Uncertain significance for KMT2D-related condition. Last evaluated: 2026-06-22. Review status: criteria provided, single submitter. Criteria: ACMG Guidelines, 2015. Collection method: clinical testing. Allele origin: germline.
Comment: The KMT2D c.621G>A variant is predicted to result in the amino acid substitution p.Met207Ile. To our knowledge, this variant has not been reported in the literature or in a large population database (gnomAD), indicating this variant is rare. At this time, the clinical significance of this variant is uncertain due to the absence of conclusive functional and genetic evidence.

GeneDx
Classification: Uncertain significance. Last evaluated: 2019-08-23. Review status: criteria provided, single submitter. Criteria: GeneDx Variant Classification Process June 2021. Collection method: clinical testing. Allele origin: germline. Affected: yes.
Comment: Not observed in large population cohorts (Lek et al., 2016); In silico analysis, which includes protein predictors and evolutionary conservation, supports that this variant does not alter protein structure/function; Has not been previously published as pathogenic or benign to our knowledge

NM_003482.4(KMT2D):c.621G>A (p.Met207Ile)

Gene: KMT2D (lysine methyltransferase 2D; minus strand). Cytogenetic location: 12q13.12.
Variant type: single nucleotide variant.
Coding change: c.621G>A on transcript NM_003482.4 (MANE Select); coding-DNA position 621, G replaced by A.
Protein change: p.Met207Ile; replaces methionine 207 with isoleucine.
Molecular consequence: missense variant.
Genome position (GRCh38, 1-based): chr12:49,054,030, C>T on the plus strand (G>A on the coding strand, the complement: KMT2D is on the minus strand). VCF-style: chr12-49054030-C-T. GRCh37 (hg19) VCF-style: chr12-49447813-C-T.
Other names: short protein forms M207I.
Identifiers: ClinVar variation 1308017 (VCV001308017.3), dbSNP rs1296202170, ClinGen allele CA384684975.
Genomic context (GRCh38, chr12:49,054,030, plus strand): 5'-CTTCTCACCCAGATATGCAGCCCCCTCACTGTGCTCTGGGCATAGCAGCTGCAGTGTTTT[C>T]ATGGATAGGAAGGAACCGCTGGCAGTCGCGCAGGGGAAGTGGTAAAGCCGTGGACATCCA-3'
Protein context (NP_003473.3, residues 197-217): CATASGSFLS[Met207Ile]KTLQLLCPEH